The following is an entry in ClinVar:

NM_000059.4(BRCA2):c.9286G>A (p.Glu3096Lys)

Gene: BRCA2 (BRCA2 DNA repair associated; plus strand). Cytogenetic location: 13q13.1.
Variant type: single nucleotide variant.
Coding change: c.9286G>A on transcript NM_000059.4 (MANE Select); coding-DNA position 9286, G replaced by A.
Protein change: p.Glu3096Lys; replaces glutamic acid 3096 with lysine.
Molecular consequence: missense variant.
Genome position (GRCh38, 1-based): chr13:32,394,718, G>A. VCF-style: chr13-32394718-G-A. GRCh37 (hg19) VCF-style: chr13-32968855-G-A.
Other names: p.E3096K:GAA>AAA; short protein forms E3096K.
Identifiers: ClinVar variation 89054 (VCV000089054.27), dbSNP rs80359199, ClinGen allele CA026088.
Genomic context (GRCh38, chr13:32,394,718, plus strand): 5'-ATAACATTCTTTTCTTTTTTTTCCATTCTAGGACTTGCCCCTTTCGTCTATTTGTCAGAC[G>A]AATGTTACAATTTACTGGCAATAAAGTTTTGGATAGACCTTAATGAGGACATTATTAAGC-3'
Protein context (NP_000050.3, residues 3086-3106): GLAPFVYLSD[Glu3096Lys]CYNLLAIKFW

ClinVar aggregate classification (germline): Conflicting classifications of pathogenicity. Review status: criteria provided, conflicting classifications (1 of 4 stars). 9 submissions from 9 submitters: Uncertain significance (4); Likely benign (5). Last evaluated 2026-09-18.

Conditions:
Hereditary cancer-predisposing syndrome. Also called: Hereditary neoplastic syndrome; Neoplastic Syndromes, Hereditary; Hereditary Cancer Syndrome; Tumor predisposition. Identifiers: Orphanet 140162, MedGen C0027672, MeSH D009386, MONDO:0015356.
Hereditary breast ovarian cancer syndrome. Also called: Hereditary breast and/or ovarian cancer syndrome; Breast and ovarian cancer; BRCA1- and BRCA2-Associated Hereditary Breast and Ovarian Cancer; Hereditary breast and ovarian cancer syndrome (HBOC); Hereditary breast and ovarian cancer syndrome; Hereditary breast and ovarian cancer. Identifiers: Orphanet 145, MedGen C0677776, MeSH D061325, MONDO:0003582. Disease mechanism: loss of function.
Breast-ovarian cancer, familial, susceptibility to, 2 (BROVCA2). Also called: BRCA2 Hereditary Breast and Ovarian Cancer. Identifiers: Orphanet 145, MedGen C2675520, MONDO:0012933, OMIM 612555. Disease mechanism: loss of function.
Familial cancer of breast. Also called: Hereditary breast cancer; hereditary breast carcinoma; BREAST CANCER, FAMILIAL. Identifiers: Orphanet 227535, MedGen C0346153, MONDO:0016419, OMIM 114480. Disease mechanism: loss of function.

Allele frequency attached by ClinVar (database versions not stated): ExAC 0.00001; gnomAD exomes below 0.00001; TOPMed below 0.00001.
gnomAD v4.1: 6 of 1,613,404 alleles (0.00037%); highest among the groups gnomAD compares: East Asian, 0.0022%; no homozygotes.

Submissions (9):

Myriad Genetics, Inc.
Classification: Likely benign for Breast-ovarian cancer, familial, susceptibility to, 2. Last evaluated: 2026-09-18. Review status: criteria provided, single submitter. Criteria: Myriad Autosomal Dominant, Autosomal Recessive and X-Linked Classification Criteria (2023). Collection method: clinical testing. Allele origin: unknown.
Comment: This variant is considered likely benign. This variant is strongly associated with less severe personal and family histories of cancer, typical for individuals without pathogenic variants in this gene [PMID: 25085752].

Center for Genomic Medicine, Rigshospitalet, Copenhagen University Hospital
Classification: Likely benign. Last evaluated: 2025-12-29. Review status: criteria provided, single submitter. Criteria: ACMG Guidelines, 2015. Collection method: clinical testing. Allele origin: germline.
Comment: Classification criteria: BS3_strong, BP4_supporting

ARUP Laboratories, Molecular Genetics and Genomics, ARUP Laboratories
Classification: Likely benign. Last evaluated: 2025-07-03. Review status: criteria provided, single submitter. Criteria: ARUP Molecular Germline Variant Investigation Process 2024. Collection method: clinical testing. Allele origin: germline.

Color Diagnostics, LLC DBA Color Health
Classification: Likely benign for Hereditary cancer-predisposing syndrome. Last evaluated: 2025-05-21. Review status: criteria provided, single submitter. Criteria: ACMG Guidelines, 2015. Collection method: clinical testing. Allele origin: germline.

Labcorp Genetics (formerly Invitae), Labcorp
Classification: Uncertain significance for Hereditary breast ovarian cancer syndrome. Last evaluated: 2025-03-27. Review status: criteria provided, single submitter. Criteria: Invitae Variant Classification Sherloc (09022015). Collection method: clinical testing. Allele origin: germline.
Comment: This sequence change replaces glutamic acid, which is acidic and polar, with lysine, which is basic and polar, at codon 3096 of the BRCA2 protein (p.Glu3096Lys). This variant is present in population databases (rs80359199, gnomAD 0.0009%). This missense change has been observed in individual(s) with breast cancer and/or ovarian cancer (PMID: 30287823, 33067490). ClinVar contains an entry for this variant (Variation ID: 89054). Invitae Evidence Modeling of protein sequence and biophysical properties (such as structural, functional, and spatial information, amino acid conservation, physicochemical variation, residue mobility, and thermodynamic stability) indicates that this missense variant is not expected to disrupt BRCA2 protein function with a negative predictive value of 95%. Experimental studies have shown that this missense change does not substantially affect BRCA2 function (PMID: 32444794). In summary, the available evidence is currently insufficient to determine the role of this variant in disease. Therefore, it has been classified as a Variant of Uncertain Significance.

Baylor Genetics
Classification: Uncertain significance for Familial cancer of breast. Last evaluated: 2023-12-11. Review status: criteria provided, single submitter. Criteria: ACMG Guidelines, 2015. Collection method: clinical testing. Allele origin: unknown.

Revvity Omics, Revvity
Classification: Uncertain significance. Last evaluated: 2022-11-02. Review status: criteria provided, single submitter. Criteria: ACMG Guidelines, 2015. Collection method: clinical testing. Allele origin: germline.

Ambry Genetics
Classification: Likely benign for Hereditary cancer-predisposing syndrome. Last evaluated: 2022-01-11. Review status: criteria provided, single submitter. Criteria: Ambry Variant Classification Scheme 2023. Collection method: clinical testing. Allele origin: germline.

GeneDx
Classification: Uncertain significance. Last evaluated: 2015-04-03. Review status: criteria provided, single submitter. Criteria: GeneDx Variant Classification (06012015). Collection method: clinical testing. Allele origin: germline. Affected: yes.
Comment: This variant is denoted BRCA2 c.9286G>A at the cDNA level, p.Glu3096Lys (E3096K) at the protein level, and results in the change of a Glutamic Acid to a Lysine (GAA>AAA). Using alternate nomenclature, this variant would be defined as BRCA2 9514G>A. This variant has not, to our knowledge, been published in the literature as pathogenic or benign. BRCA2 Glu3096Lys was not observed in approximately 6,500 individuals of European and African American ancestry in the NHLBI Exome Sequencing Project, indicating it is not a common benign variant in these populations. Since Glutamic Acid and Lysine differ in polarity, charge, size or other properties, this is considered a non-conservative amino acid substitution. BRCA2 Glu3096Lys occurs at a position that is conserved across species and is located in the DNA binding domain (UniProt). In silico analyses predict that this variant is probably damaging to protein structure and function. Based on currently available information, it is unclear whether BRCA2 Glu3096Lys is pathogenic or benign. We consider it to be a variant of uncertain significance.

Literature cited by the submitters: PubMed 25085752 (cited by Myriad Genetics, Inc.); PubMed 30287823 (cited by Labcorp Genetics (formerly Invitae), Labcorp); PubMed 33067490 (cited by Labcorp Genetics (formerly Invitae), Labcorp and Ambry Genetics); PubMed 32444794 (cited by Labcorp Genetics (formerly Invitae), Labcorp and Ambry Genetics); PubMed 31131967 (cited by Ambry Genetics); PubMed 31742824 (cited by Ambry Genetics).